The following is an entry in ClinVar:

ClinVar aggregate classification (germline): Uncertain significance. Review status: criteria provided, multiple submitters, no conflicts (2 of 4 stars). 2 submissions from 2 submitters: Uncertain significance (2). Last evaluated 2022-04-12.

Allele frequency attached by ClinVar (database versions not stated): ExAC 0.00001; gnomAD 0.00001; gnomAD exomes 0.00001; TOPMed 0.00002.

Submissions (2):

Labcorp Genetics (formerly Invitae), Labcorp
Classification: Uncertain significance. Last evaluated: 2022-04-12. Review status: criteria provided, single submitter. Criteria: Invitae Variant Classification Sherloc (09022015). Collection method: clinical testing. Allele origin: germline.
Comment: This sequence change replaces alanine, which is neutral and non-polar, with threonine, which is neutral and polar, at codon 225 of the TNFAIP3 protein (p.Ala225Thr). In summary, the available evidence is currently insufficient to determine the role of this variant in disease. Therefore, it has been classified as a Variant of Uncertain Significance. Algorithms developed to predict the effect of missense changes on protein structure and function are either unavailable or do not agree on the potential impact of this missense change (SIFT: "Tolerated"; PolyPhen-2: "Possibly Damaging"; Align-GVGD: "Class C0"). This variant has not been reported in the literature in individuals affected with TNFAIP3-related conditions. This variant is present in population databases (rs751503246, gnomAD 0.003%).

Blueprint Genetics
Classification: Uncertain significance. Last evaluated: 2021-03-15. Review status: criteria provided, single submitter. Criteria: ACMG Guidelines, 2015. Collection method: clinical testing. Allele origin: germline.

NM_001270508.2(TNFAIP3):c.673G>A (p.Ala225Thr)

Genes: TNFAIP3 (TNF alpha induced protein 3; plus strand), LOC126859807 (MED14-independent group 3 enhancer GRCh37_chr6:138196296-138197495; plus strand). Cytogenetic location: 6q23.3.
Variant type: single nucleotide variant.
Coding change: c.673G>A on transcript NM_001270508.2 (MANE Select); coding-DNA position 673, G replaced by A.
Protein change: p.Ala225Thr; replaces alanine 225 with threonine.
Molecular consequence: missense variant.
Genome position (GRCh38, 1-based): chr6:137,876,034, G>A. VCF-style: chr6-137876034-G-A. GRCh37 (hg19) VCF-style: chr6-138197171-G-A.
Other names: c.673G>A, p.Ala225Thr (NM_001270507.2, NM_006290.4); short protein forms A225T.
Identifiers: ClinVar variation 1387760 (VCV001387760.7), dbSNP rs751503246, ClinGen allele CA4019490.